The following is an entry in ClinVar:

ClinVar aggregate classification (germline): Uncertain significance (0 of 4 stars; one submission).
ClinVar aggregate classification (somatic clinical impact): Tier I - Strong. Review status: criteria provided, single submitter (1 of 4 stars). 2 submissions from 1 submitter. Last evaluated 2025-04-17.

Conditions:
Diffuse pediatric-type high-grade glioma, H3-wildtype and IDH-wildtype. Identifiers: MedGen C5669918, MONDO:0858939.
Diffuse midline glioma, H3 K27M-mutant. Identifiers: MedGen C4289688, MONDO:0957196.

Submissions (3):

Institute for Genomic Medicine (IGM) Clinical Laboratory, Nationwide Children's Hospital
Classification: Tier I - Strong for Diffuse pediatric-type high-grade glioma, H3-wildtype and IDH-wildtype. Assertion type: diagnostic. Clinical significance: supports diagnosis. Last evaluated: 2025-04-17. Review status: criteria provided, single submitter. Criteria: AMP/ASCO/CAP Guidelines, 2017. Collection method: clinical testing. Allele origin: somatic. Affected: yes.
Comment: Variant has Tier I (strong) clinical significance as a diagnostic inclusion criterion in diffuse pediatric-type high-grade glioma, H3-wildtype and IDH-wildtype, based on the following evidence: 1) Documented in one or more cancer databases (e.g., St. Jude Pecan, COSMIC, CIViC, OncoKB). 2) Appears in one or more well-established professional guidelines (e.g., World Health Organization [WHO]; National Comprehensive Cancer Network [NCCN]) as providing diagnostic, prognostic, or therapeutic information. 3) Information in the literature supports potential biologic effect of variant (PMID: 24353160). 4) Diagnostic for a specific tumor type/classification based on well-powered studies with expert-level consensus (Evidence Level B; PMIDs: 28966033, 24705251, 29763623, 28912153, 35332262, 28401334, 40063504).

Institute for Genomic Medicine (IGM) Clinical Laboratory, Nationwide Children's Hospital
Classification: Tier I - Strong for Diffuse midline glioma, H3 K27M-mutant. Assertion type: diagnostic. Clinical significance: supports diagnosis. Last evaluated: 2024-10-04. Review status: criteria provided, single submitter. Criteria: AMP/ASCO/CAP Guidelines, 2017. Collection method: clinical testing. Allele origin: somatic. Affected: yes.
Comment: Variant has Tier I (strong) clinical significance as a diagnostic inclusion criterion in diffuse midline glioma, H3 K27M-mutant, based on the following evidence: 1) Documented in one or more cancer databases (e.g., St. Jude Pecan, COSMIC, CIViC, OncoKB). 2) Appears in one or more well-established professional guidelines (e.g., World Health Organization [WHO]; National Comprehensive Cancer Network [NCCN]) as providing diagnostic, prognostic, or therapeutic information. 3) Information in the literature supports potential biologic effect of variant (PMID: 24353160). 4) Diagnostic for a specific tumor type/classification according to professional guidelines (Evidence Level A; PMIDs: 33130881, 32303840, 28966033, 24705251, 29763623, 28912153).

Laboratory for Molecular Medicine, Mass General Brigham Personalized Medicine
Classification: Uncertain significance. Last evaluated: 2006-10-28. Review status: no assertion criteria provided. Collection method: clinical testing. Allele origin: somatic. Observed: 3 variant alleles.

Literature cited by the submitters: PubMed 24353160 (cited by Institute for Genomic Medicine (IGM) Clinical Laboratory, Nationwide Children's Hospital); PubMed 28966033 (cited by Institute for Genomic Medicine (IGM) Clinical Laboratory, Nationwide Children's Hospital); PubMed 24705251 (cited by Institute for Genomic Medicine (IGM) Clinical Laboratory, Nationwide Children's Hospital); PubMed 29763623 (cited by Institute for Genomic Medicine (IGM) Clinical Laboratory, Nationwide Children's Hospital); PubMed 28912153 (cited by Institute for Genomic Medicine (IGM) Clinical Laboratory, Nationwide Children's Hospital); PubMed 35332262 (cited by Institute for Genomic Medicine (IGM) Clinical Laboratory, Nationwide Children's Hospital); PubMed 28401334 (cited by Institute for Genomic Medicine (IGM) Clinical Laboratory, Nationwide Children's Hospital); PubMed 40063504 (cited by Institute for Genomic Medicine (IGM) Clinical Laboratory, Nationwide Children's Hospital); PubMed 33130881 (cited by Institute for Genomic Medicine (IGM) Clinical Laboratory, Nationwide Children's Hospital); PubMed 32303840 (cited by Institute for Genomic Medicine (IGM) Clinical Laboratory, Nationwide Children's Hospital); PubMed 16187797 (cited by Laboratory for Molecular Medicine, Mass General Brigham Personalized Medicine).

NM_005228.5(EGFR):c.2317_2319dup (p.His773dup)

Genes: EGFR (epidermal growth factor receptor; plus strand), EGFR-AS1 (EGFR antisense RNA 1; minus strand). Cytogenetic location: 7p11.2.
Variant type: Duplication.
Coding change: c.2317_2319dup on transcript NM_005228.5 (MANE Select); coding-DNA positions 2317 to 2319, 3 bases duplicated (CAC; older notation c.2317_2319dupCAC).
Protein change: p.His773dup; duplicates histidine 773.
Molecular consequence: inframe insertion. On other transcripts: non-coding transcript variant (1).
Genome position (GRCh38, 1-based): chr7:55,181,326-55,181,328, CAC duplicated; duplicating any 3 consecutive bases within chr7:55,181,325-55,181,328 gives the same sequence; the c. name uses the placement nearest the transcript's 3' end. VCF-style (leftmost placement, unchanged base first): chr7-55181324-C-CCCA. GRCh37 (hg19) VCF-style: chr7-55249017-C-CCCA.
Other names: NC_000007.13:g.55249021_55249022insCAC; p.His773dup; c.2182_2184dup, p.His728dup (NM_001346897.2, NM_001346899.2); c.2317_2319dup, p.His773dup (NM_001346898.2); c.2158_2160dup, p.His720dup (NM_001346900.2); c.1516_1518dup, p.His506dup (NM_001346941.2).
Identifiers: ClinVar variation 45261 (VCV000045261.6), dbSNP rs1554350381, ClinGen allele CA135866.